The following is an entry in ClinVar:

ClinVar aggregate classification (germline): Uncertain significance (1 of 4 stars; one submission).

Conditions:
Epidermolysis bullosa simplex with nail dystrophy (EBS5D). Identifiers: MedGen C4225309, MONDO:0014661, OMIM 616487.
Epidermolysis bullosa simplex, Ogna type (EBS5A). Also called: EPIDERMOLYSIS BULLOSA SIMPLEX 5A, OGNA TYPE; Pidermolysis bullosa simplex 5A, Ogna type. Identifiers: Orphanet 79401, MedGen C0432317, MONDO:0007555, OMIM 131950.
Autosomal recessive limb-girdle muscular dystrophy type 2Q (LGMDR17). Also called: MUSCULAR DYSTROPHY, LIMB-GIRDLE, AUTOSOMAL RECESSIVE 17. Identifiers: Orphanet 254361, MedGen C3150989, MONDO:0013390, OMIM 613723.
Epidermolysis bullosa simplex 5B, with muscular dystrophy (EBS5B). Also called: EPIDERMOLYSIS BULLOSA SIMPLEX AND LIMB-GIRDLE MUSCULAR DYSTROPHY; Epidermolysis bullosa simplex with muscular dystrophy. Identifiers: Orphanet 257, MedGen C2931072, MONDO:0009181, OMIM 226670.
Epidermolysis bullosa simplex 5C, with pyloric atresia (EBS5C). Also called: PLEC-Related Epidermolysis Bullosa with Pyloric Atresia; Epidermolysis bullosa simplex with pyloric atresia; PLEC1-Related Epidermolysis Bullosa with Pyloric Atresia. Identifiers: Orphanet 158684, MedGen C2677349, MONDO:0012807, OMIM 612138.

gnomAD v4.1: 8 of 1,612,548 alleles (0.0005%); highest among the groups gnomAD compares: Non-Finnish European, 0.00068%; no homozygotes.

Submission:

Labcorp Genetics (formerly Invitae), Labcorp
Classification: Uncertain significance for Autosomal recessive limb-girdle muscular dystrophy type 2Q; Epidermolysis bullosa simplex, Ogna type; Epidermolysis bullosa simplex with nail dystrophy; Epidermolysis bullosa simplex 5C, with pyloric atresia; Epidermolysis bullosa simplex 5B, with muscular dystrophy. Last evaluated: 2025-01-21. Review status: criteria provided, single submitter. Criteria: Invitae Variant Classification Sherloc (09022015). Collection method: clinical testing. Allele origin: germline.
Comment: This sequence change replaces histidine, which is basic and polar, with glutamine, which is neutral and polar, at codon 646 of the PLEC protein (p.His646Gln). This variant is present in population databases (rs782172883, gnomAD 0.003%). This variant has not been reported in the literature in individuals affected with PLEC-related conditions. Invitae Evidence Modeling of protein sequence and biophysical properties (such as structural, functional, and spatial information, amino acid conservation, physicochemical variation, residue mobility, and thermodynamic stability) indicates that this missense variant is not expected to disrupt PLEC protein function with a negative predictive value of 80%. In summary, the available evidence is currently insufficient to determine the role of this variant in disease. Therefore, it has been classified as a Variant of Uncertain Significance.

NM_201384.3(PLEC):c.1857C>A (p.His619Gln)

Gene: PLEC (plectin; minus strand). Cytogenetic location: 8q24.3.
Variant type: single nucleotide variant.
Coding change: c.1857C>A on transcript NM_201384.3 (MANE Select); coding-DNA position 1857, C replaced by A.
Protein change: p.His619Gln; replaces histidine 619 with glutamine.
Molecular consequence: missense variant.
Genome position (GRCh38, 1-based): chr8:143,932,520, G>T on the plus strand (C>A on the coding strand, the complement: PLEC is on the minus strand). VCF-style: chr8-143932520-G-T. GRCh37 (hg19) VCF-style: chr8-145006688-G-T.
Other names: c.1938C>A, p.His646Gln (NM_000445.5, NM_001410941.1); c.1815C>A, p.His605Gln (NM_201378.4); c.1791C>A, p.His597Gln (NM_201379.3); c.2268C>A, p.His756Gln (NM_201380.4); c.1761C>A, p.His587Gln (NM_201381.3); c.1857C>A, p.His619Gln (NM_201382.4); c.1869C>A, p.His623Gln (NM_201383.3); short protein forms H646Q, H756Q, H597Q, H605Q, H619Q, H587Q, H623Q.
Identifiers: ClinVar variation 4790298 (VCV004790298.1).